The following is an entry in ClinVar:

ClinVar aggregate classification (germline): Conflicting classifications of pathogenicity. Review status: criteria provided, conflicting classifications (1 of 4 stars). 3 submissions from 3 submitters: Likely pathogenic (1); Uncertain significance (1). 1 of the submissions does not count toward it. Last evaluated 2026-05-21.

Conditions:
Cardiovascular phenotype. Identifiers: MedGen CN230736.
Charcot-Marie-Tooth disease type 2. Also called: Charcot-Marie-Tooth type 2. Identifiers: Orphanet 64746, MedGen C0270914, MONDO:0018993.

Submissions (3):

Ambry Genetics
Classification: Uncertain significance for Cardiovascular phenotype. Last evaluated: 2026-05-21. Review status: criteria provided, single submitter. Criteria: Ambry Variant Classification Scheme 2023. Collection method: clinical testing. Allele origin: germline.
Comment: The p.R72L variant (also known as c.215G>T), located in coding exon 1 of the LMNA gene, results from a G to T substitution at nucleotide position 215. The arginine at codon 72 is replaced by leucine, an amino acid with dissimilar properties. This variant was reported in individual(s) with features consistent with LMNA-related laminopathy (Lakdawala NK et al. J. Card. Fail., 2012 Apr;18:296-303; Kumar S et al. Circ Arrhythm Electrophysiol, 2016 08;9:; Pagola-Lorz I et al. Orphanet J Rare Dis, 2019 12;14:276; Ambry internal data; external communication). This amino acid position is highly conserved in available vertebrate species. In addition, this alteration is predicted to be deleterious by in silico analysis. Since supporting evidence is limited at this time, the clinical significance of this alteration remains unclear.

Labcorp Genetics (formerly Invitae), Labcorp
Classification: Likely pathogenic for Charcot-Marie-Tooth disease type 2. Last evaluated: 2025-12-03. Review status: criteria provided, single submitter. Criteria: Invitae Variant Classification Sherloc (09022015). Collection method: clinical testing. Allele origin: germline.
Comment: This sequence change replaces arginine, which is basic and polar, with leucine, which is neutral and non-polar, at codon 72 of the LMNA protein (p.Arg72Leu). This variant is not present in population databases (gnomAD no frequency). This missense change has been observed in individuals with arrhythmogenic cardiomyopathy (PMID: 22464770, 27506821, 31383942; internal data). ClinVar contains an entry for this variant (Variation ID: 177823). Invitae Evidence Modeling of protein sequence and biophysical properties (such as structural, functional, and spatial information, amino acid conservation, physicochemical variation, residue mobility, and thermodynamic stability) indicates that this missense variant is expected to disrupt LMNA protein function with a positive predictive value of 95%. This variant disrupts the p.Arg72 amino acid residue in LMNA. Other variant(s) that disrupt this residue have been observed in individuals with LMNA-related conditions (internal data), which suggests that this may be a clinically significant amino acid residue. In summary, the currently available evidence indicates that the variant is pathogenic, but additional data are needed to prove that conclusively. Therefore, this variant has been classified as Likely Pathogenic.

Laboratory for Molecular Medicine, Mass General Brigham Personalized Medicine
Classification: Uncertain significance. Last evaluated: 2013-01-23. Review status: no assertion criteria provided. Collection method: clinical testing. Allele origin: germline. Observed: 7 variant alleles. Not counted in ClinVar's aggregate classification.
Comment: proposed classification - variant undergoing re-assessment, contact laboratory

Literature cited by the submitters: PubMed 22464770 (cited by Ambry Genetics and Labcorp Genetics (formerly Invitae), Labcorp); PubMed 27506821 (cited by Ambry Genetics and Labcorp Genetics (formerly Invitae), Labcorp); PubMed 31791368 (cited by Ambry Genetics); PubMed 31383942 (cited by Labcorp Genetics (formerly Invitae), Labcorp).

NM_170707.4(LMNA):c.215G>T (p.Arg72Leu)

Gene: LMNA (lamin A/C; plus strand). Cytogenetic location: 1q22.
Variant type: single nucleotide variant.
Coding change: c.215G>T on transcript NM_170707.4 (MANE Select); coding-DNA position 215, G replaced by T.
Protein change: p.Arg72Leu; replaces arginine 72 with leucine.
Molecular consequence: missense variant.
Genome position (GRCh38, 1-based): chr1:156,115,133, G>T. VCF-style: chr1-156115133-G-T. GRCh37 (hg19) VCF-style: chr1-156084924-G-T.
Other names: c.215G>T, p.Arg72Leu (NM_001282625.2, NM_001282626.2, NM_005572.4 and 1 more transcripts); short protein forms R72L.
Identifiers: ClinVar variation 177823 (VCV000177823.14), dbSNP rs727504340, ClinGen allele CA017782.